The following is an entry in ClinVar:

NM_000346.4(SOX9):c.1064C>T (p.Ala355Val)

Gene: SOX9 (SRY-box transcription factor 9; plus strand). Cytogenetic location: 17q24.3.
Variant type: single nucleotide variant.
Coding change: c.1064C>T on transcript NM_000346.4 (MANE Select); coding-DNA position 1064, C replaced by T.
Protein change: p.Ala355Val; replaces alanine 355 with valine.
Molecular consequence: missense variant.
Genome position (GRCh38, 1-based): chr17:72,123,921, C>T. VCF-style: chr17-72123921-C-T. GRCh37 (hg19) VCF-style: chr17-70120062-C-T.
Other names: c.1064C>T (NM_000346.3); short protein forms A355V.
Identifiers: ClinVar variation 3705368 (VCV003705368.3).

ClinVar aggregate classification (germline): Uncertain significance. Review status: criteria provided, multiple submitters, no conflicts (2 of 4 stars). 2 submissions from 2 submitters: Uncertain significance (2). Last evaluated 2026-06-03.

Conditions:
Inborn genetic diseases. Identifiers: MedGen C0950123, MeSH D030342.
Camptomelic dysplasia (CMPD). Also called: CMPD1/SRA1; Campomelic Dysplasia. Identifiers: Orphanet 140, MedGen C1861922, MONDO:0007251, OMIM 114290.

gnomAD v4.1: 3 of 1,292,532 alleles (0.00023%); highest among the groups gnomAD compares: Non-Finnish European, 0.00019%; no homozygotes.

Submissions (2):

Ambry Genetics
Classification: Uncertain significance for Inborn genetic diseases. Last evaluated: 2026-06-03. Review status: criteria provided, single submitter. Criteria: Ambry Variant Classification Scheme 2023. Collection method: clinical testing. Allele origin: germline.
Comment: The c.1064C>T (p.A355V) alteration is located in exon 3 (coding exon 3) of the SOX9 gene. This alteration results from a C to T substitution at nucleotide position 1064, causing the alanine (A) at amino acid position 355 to be replaced by a valine (V). Based on data from gnomAD, the T allele has an overall frequency of 0.003% (1/29840) total alleles studied. The highest observed frequency was 0.007% (1/15000) of European (non-Finnish) alleles. Based on insufficient or conflicting evidence, the clinical significance of this alteration remains unclear.

Labcorp Genetics (formerly Invitae), Labcorp
Classification: Uncertain significance for Camptomelic dysplasia. Last evaluated: 2025-03-19. Review status: criteria provided, single submitter. Criteria: Invitae Variant Classification Sherloc (09022015). Collection method: clinical testing. Allele origin: germline.
Comment: This sequence change replaces alanine, which is neutral and non-polar, with valine, which is neutral and non-polar, at codon 355 of the SOX9 protein (p.Ala355Val). This variant is present in population databases (no rsID available, gnomAD 0.007%). This variant has not been reported in the literature in individuals affected with SOX9-related conditions. Invitae Evidence Modeling of protein sequence and biophysical properties (such as structural, functional, and spatial information, amino acid conservation, physicochemical variation, residue mobility, and thermodynamic stability) indicates that this missense variant is not expected to disrupt SOX9 protein function with a negative predictive value of 95%. In summary, the available evidence is currently insufficient to determine the role of this variant in disease. Therefore, it has been classified as a Variant of Uncertain Significance.